The following is an entry in ClinVar:

ClinVar aggregate classification (germline): Likely pathogenic (1 of 4 stars; one submission).

Submission:

Labcorp Genetics (formerly Invitae), Labcorp
Classification: Likely pathogenic. Last evaluated: 2023-12-03. Review status: criteria provided, single submitter. Criteria: Invitae Variant Classification Sherloc (09022015). Collection method: clinical testing. Allele origin: germline.
Comment: This sequence change replaces proline, which is neutral and non-polar, with threonine, which is neutral and polar, at codon 431 of the TMPRSS3 protein (p.Pro431Thr). This variant is not present in population databases (gnomAD no frequency). This variant has not been reported in the literature in individuals affected with TMPRSS3-related conditions. Advanced modeling of protein sequence and biophysical properties (such as structural, functional, and spatial information, amino acid conservation, physicochemical variation, residue mobility, and thermodynamic stability) performed at Invitae indicates that this missense variant is expected to disrupt TMPRSS3 protein function with a positive predictive value of 95%. This variant disrupts the p.Pro431 amino acid residue in TMPRSS3. Other variant(s) that disrupt this residue have been determined to be pathogenic (PMID: 24657061). This suggests that this residue is clinically significant, and that variants that disrupt this residue are likely to be disease-causing. In summary, the currently available evidence indicates that the variant is pathogenic, but additional data are needed to prove that conclusively. Therefore, this variant has been classified as Likely Pathogenic.

Literature cited by the submitters: PubMed 24657061.

NM_001256317.3(TMPRSS3):c.1288C>A (p.Pro430Thr)

Gene: TMPRSS3 (transmembrane serine protease 3; minus strand). Cytogenetic location: 21q22.3.
Variant type: single nucleotide variant.
Coding change: c.1288C>A on transcript NM_001256317.3 (MANE Select); coding-DNA position 1288, C replaced by A.
Protein change: p.Pro430Thr; replaces proline 430 with threonine.
Molecular consequence: missense variant.
Genome position (GRCh38, 1-based): chr21:42,375,772, G>T on the plus strand (C>A on the coding strand, the complement: TMPRSS3 is on the minus strand). VCF-style: chr21-42375772-G-T. GRCh37 (hg19) VCF-style: chr21-43795881-G-T.
Other names: c.1291C>A, p.Pro431Thr (NM_024022.4); c.910C>A, p.Pro304Thr (NM_032404.3); short protein forms P431T, P430T, P304T.
Identifiers: ClinVar variation 2700615 (VCV002700615.3), dbSNP rs767931569, ClinGen allele CA410368770.
Genomic context (GRCh38, chr21:42,375,772, plus strand): 5'-CCACCTCCATCTGCTCGTGGATCCAGTCCAGGAAGGAGGTGACACGGGTGTACACCCCAG[G>T]CTTGTTCACCTCTGCGCAGCCGATGCCAAAGCTGGTCGCTCCCACTAACTTCCACAGCCT-3'
Protein context (NP_001243246.1, residues 420-440): FGIGCAEVNK[Pro430Thr]GVYTRVTSFL